The following is an entry in ClinVar:

NM_004984.4(KIF5A):c.2843A>G (p.Asn948Ser)

Gene: KIF5A (kinesin family member 5A; plus strand). Cytogenetic location: 12q13.3.
Variant type: single nucleotide variant.
Coding change: c.2843A>G on transcript NM_004984.4 (MANE Select); coding-DNA position 2843, A replaced by G.
Protein change: p.Asn948Ser; replaces asparagine 948 with serine.
Molecular consequence: missense variant.
Genome position (GRCh38, 1-based): chr12:57,581,502, A>G. VCF-style: chr12-57581502-A-G. GRCh37 (hg19) VCF-style: chr12-57975285-A-G.
Other names: c.2576A>G, p.Asn859Ser (NM_001354705.2); short protein forms N859S, N948S.
Identifiers: ClinVar variation 2186932 (VCV002186932.4), dbSNP rs138919700, ClinGen allele CA6653227.

ClinVar aggregate classification (germline): Uncertain significance (1 of 4 stars; one submission).

Conditions:
Spastic paraplegia. Identifiers: MedGen C0037772, HP:0001258.

Allele frequency attached by ClinVar (database versions not stated): gnomAD exomes 0.00001; ESP Exome Variant Server 0.00008.
gnomAD v4.1: 13 of 1,614,034 alleles (0.00081%); highest among the groups gnomAD compares: Non-Finnish European, 0.0011%; no homozygotes.

Submission:

Labcorp Genetics (formerly Invitae), Labcorp
Classification: Uncertain significance for Spastic paraplegia. Last evaluated: 2025-04-29. Review status: criteria provided, single submitter. Criteria: Invitae Variant Classification Sherloc (09022015). Collection method: clinical testing. Allele origin: germline.
Comment: This sequence change replaces asparagine, which is neutral and polar, with serine, which is neutral and polar, at codon 948 of the KIF5A protein (p.Asn948Ser). This variant is present in population databases (rs138919700, gnomAD 0.0009%). This variant has not been reported in the literature in individuals affected with KIF5A-related conditions. ClinVar contains an entry for this variant (Variation ID: 2186932). Invitae Evidence Modeling of protein sequence and biophysical properties (such as structural, functional, and spatial information, amino acid conservation, physicochemical variation, residue mobility, and thermodynamic stability) indicates that this missense variant is not expected to disrupt KIF5A protein function with a negative predictive value of 95%. In summary, the available evidence is currently insufficient to determine the role of this variant in disease. Therefore, it has been classified as a Variant of Uncertain Significance.